The following is an entry in ClinVar:

ClinVar aggregate classification (germline): Uncertain significance (1 of 4 stars; one submission).

Conditions:
Multiple congenital anomalies-hypotonia-seizures syndrome 1 (MCAHS1). Also called: PIGN-CDG; Congenital disorder of glycosylation due to PIGN deficiency; GLYCOSYLPHOSPHATIDYLINOSITOL BIOSYNTHESIS DEFECT 3. Identifiers: Orphanet 280633, MedGen C3279775, MONDO:0013563, OMIM 614080.

Allele frequency attached by ClinVar (database versions not stated): TOPMed below 0.00001; gnomAD 0.00001; gnomAD exomes 0.00001.
gnomAD v4.1: 4 of 1,612,456 alleles (0.00025%); highest among the groups gnomAD compares: Non-Finnish European, 0.00034%; no homozygotes.

Submission:

Labcorp Genetics (formerly Invitae), Labcorp
Classification: Uncertain significance for Multiple congenital anomalies-hypotonia-seizures syndrome 1. Last evaluated: 2021-09-02. Review status: criteria provided, single submitter. Criteria: Invitae Variant Classification Sherloc (09022015). Collection method: clinical testing. Allele origin: germline.
Comment: This sequence change replaces isoleucine with valine at codon 518 of the PIGN protein (p.Ile518Val). The isoleucine residue is moderately conserved and there is a small physicochemical difference between isoleucine and valine. This variant is not present in population databases (ExAC no frequency). This variant has not been reported in the literature in individuals affected with PIGN-related conditions. Algorithms developed to predict the effect of missense changes on protein structure and function output the following: SIFT: "Tolerated"; PolyPhen-2: "Benign"; Align-GVGD: "Class C0". The valine amino acid residue is found in multiple mammalian species, which suggests that this missense change does not adversely affect protein function. Algorithms developed to predict the effect of sequence changes on RNA splicing suggest that this variant may create or strengthen a splice site. In summary, the available evidence is currently insufficient to determine the role of this variant in disease. Therefore, it has been classified as a Variant of Uncertain Significance.

NM_176787.5(PIGN):c.1552A>G (p.Ile518Val)

Gene: PIGN (phosphatidylinositol glycan anchor biosynthesis class N; minus strand). Cytogenetic location: 18q21.33.
Variant type: single nucleotide variant.
Coding change: c.1552A>G on transcript NM_176787.5 (MANE Select); coding-DNA position 1552, A replaced by G.
Protein change: p.Ile518Val; replaces isoleucine 518 with valine.
Molecular consequence: missense variant.
Genome position (GRCh38, 1-based): chr18:62,109,856, T>C on the plus strand (A>G on the coding strand, the complement: PIGN is on the minus strand). VCF-style: chr18-62109856-T-C. GRCh37 (hg19) VCF-style: chr18-59777089-T-C.
Other names: c.1552A>G, p.Ile518Val (NM_012327.6); short protein forms I518V.
Identifiers: ClinVar variation 1005088 (VCV001005088.6), dbSNP rs1178562971, ClinGen allele CA402605392.